The following is an entry in ClinVar:

ClinVar aggregate classification (germline): Pathogenic (1 of 4 stars; one submission).

Conditions:
Duchenne muscular dystrophy (DMD). Also called: Duchenne Muscular Dystrophy (DMD); MUSCULAR DYSTROPHY, PSEUDOHYPERTROPHIC PROGRESSIVE, DUCHENNE TYPE. Identifiers: Orphanet 98896, MedGen C0013264, MONDO:0010679, OMIM 310200.

Submission:

Labcorp Genetics (formerly Invitae), Labcorp
Classification: Pathogenic for Duchenne muscular dystrophy. Last evaluated: 2020-11-25. Review status: criteria provided, single submitter. Criteria: Invitae Variant Classification Sherloc (09022015). Collection method: clinical testing. Allele origin: germline.
Comment: This sequence change creates a premature translational stop signal (p.Met1580Cysfs*20) in the DMD gene. It is expected to result in an absent or disrupted protein product. Loss-of-function variants in DMD are known to be pathogenic (PMID: 16770791, 25007885). This variant is not present in population databases (ExAC no frequency). For these reasons, this variant has been classified as Pathogenic. This variant has not been reported in the literature in individuals with DMD-related conditions.

Literature cited by the submitters: PubMed 16770791; PubMed 25007885.

NM_004006.3(DMD):c.4738_4742del (p.Met1580fs)

Gene: DMD (dystrophin; minus strand). Cytogenetic location: Xp21.1.
Variant type: Deletion.
Coding change: c.4738_4742del on transcript NM_004006.3 (MANE Select); coding-DNA positions 4738 to 4742, 5 bases deleted (ATGAA; older notation c.4738_4742delATGAA).
Protein change: p.Met1580fs; shifts the reading frame from methionine 1580.
Molecular consequence: frameshift variant.
Genome position (GRCh38, 1-based): chrX:32,380,613-32,380,617, TTCAT deleted on the plus strand (ATGAA on the coding strand, the reverse complement: DMD is on the minus strand); deleting any 5 consecutive bases within chrX:32,380,613-32,380,620 gives the same sequence; the c. name uses the placement nearest the transcript's 3' end. VCF-style (leftmost placement, unchanged base first): chrX-32380612-ATTCAT-A. GRCh37 (hg19) VCF-style: chrX-32398729-ATTCAT-A.
Other names: c.4714_4718del, p.Met1572fs (NM_000109.4); c.4726_4730del, p.Met1576fs (NM_004009.3); c.4369_4373del, p.Met1457fs (NM_004010.3); c.715_719del, p.Met239fs (NM_004011.4); c.706_710del, p.Met236fs (NM_004012.4); short protein forms M236fs, M1457fs, M1572fs, M1576fs, M1580fs, M239fs.
Identifiers: ClinVar variation 1448102 (VCV001448102.6), dbSNP rs2147471723, ClinGen allele CA2573158670.